The following is an entry in ClinVar:

ClinVar aggregate classification (germline): Uncertain significance (1 of 4 stars; one submission).

gnomAD v4.1: 10 of 1,614,174 alleles (0.00062%); highest among the groups gnomAD compares: Non-Finnish European, 0.00085%; no homozygotes.

Submission:

Ambry Genetics
Classification: Uncertain significance. Last evaluated: 2026-01-26. Review status: criteria provided, single submitter. Criteria: Ambry Variant Classification Scheme 2023. Collection method: clinical testing. Allele origin: germline.
Comment: The c.17332G>C (p.E5778Q) alteration is located in exon 95 (coding exon 94) of the SYNE2 gene. This alteration results from a G to C substitution at nucleotide position 17332, causing the glutamic acid (E) at amino acid position 5778 to be replaced by a glutamine (Q). Based on data from gnomAD, the C allele has an overall frequency of 0.001% (2/251462) total alleles studied. The highest observed frequency was 0.002% (2/113750) of European (non-Finnish) alleles. Based on insufficient or conflicting evidence, the clinical significance of this alteration remains unclear.

NM_182914.3(SYNE2):c.17332G>C (p.Glu5778Gln)

Gene: SYNE2 (spectrin repeat containing nuclear envelope protein 2; plus strand). Cytogenetic location: 14q23.2.
Variant type: single nucleotide variant.
Coding change: c.17332G>C on transcript NM_182914.3 (MANE Select); coding-DNA position 17332, G replaced by C.
Protein change: p.Glu5778Gln; replaces glutamic acid 5778 with glutamine.
Molecular consequence: missense variant.
Genome position (GRCh38, 1-based): chr14:64,175,040, G>C. VCF-style: chr14-64175040-G-C. GRCh37 (hg19) VCF-style: chr14-64641758-G-C.
Other names: c.17332G>C, p.Glu5778Gln (NM_015180.6); short protein forms E5778Q.
Identifiers: ClinVar variation 4839744 (VCV004839744.1).
Genomic context (GRCh38, chr14:64,175,040, plus strand): 5'-TGTGCCCTAACCTTGGAAGCTGGAGAAAAGTTACTGCTCACAACTGACCTGAAAACTAAA[G>C]AGTCTGTGGGTAGGAGAATCAGTCAACTTCAGGACAGCTGGAAAGACATGGAGCCCCAGC-3'
Protein context (NP_878918.2, residues 5768-5788): LLLTTDLKTK[Glu5778Gln]SVGRRISQLQ